The following is an entry in ClinVar:

NM_007294.4(BRCA1):c.3699A>G (p.Lys1233=)

Genes: BRCA1 (BRCA1 DNA repair associated; minus strand), LOC126862571 (BRD4-independent group 4 enhancer GRCh37_chr17:41243136-41244335; plus strand). Cytogenetic location: 17q21.31.
Variant type: single nucleotide variant.
Coding change: c.3699A>G on transcript NM_007294.4 (MANE Select); coding-DNA position 3699, A replaced by G.
Protein change: p.Lys1233=; no amino-acid change (lysine 1233 retained).
Molecular consequence: synonymous variant. On other transcripts: intron variant (135).
Genome position (GRCh38, 1-based): chr17:43,091,832, T>C on the plus strand (A>G on the coding strand, the complement: BRCA1 is on the minus strand). VCF-style: chr17-43091832-T-C. GRCh37 (hg19) VCF-style: chr17-41243849-T-C.
Other names: c.3486A>G, p.Lys1162= (NM_001407571.1, NM_001407853.1, NM_001407894.1 and 9 more transcripts); c.3699A>G, p.Lys1233= (NM_001407581.1, NM_001407582.1, NM_001407583.1 and 30 more transcripts); c.3696A>G, p.Lys1232= (NM_001407587.1, NM_001407590.1, NM_001407591.1 and 22 more transcripts); c.3690A>G, p.Lys1230= (NM_001407646.1, NM_001407647.1); c.3576A>G, p.Lys1192= (NM_001407648.1, NM_001407664.1, NM_001407665.1 and 19 more transcripts); c.3573A>G, p.Lys1191= (NM_001407649.1, NM_001407670.1, NM_001407671.1 and 11 more transcripts); c.3621A>G, p.Lys1207= (NM_001407653.1, NM_001407654.1, NM_001407655.1 and 4 more transcripts); c.3618A>G, p.Lys1206= (NM_001407659.1, NM_001407660.1, NM_001407661.1 and 1 more transcripts); and 41 more.
Identifiers: ClinVar variation 183855 (VCV000183855.46), dbSNP rs368690455, ClinGen allele CA002365.

ClinVar aggregate classification (germline): Likely benign. Review status: reviewed by expert panel (3 of 4 stars). 12 submissions from 12 submitters: Likely benign (1). 11 of the submissions do not count toward it. Last evaluated 2017-06-29.

Conditions:
BRCA1-related disorder. Also called: BRCA1-related condition.
Breast-ovarian cancer, familial, susceptibility to, 1 (BROVCA1). Also called: BRCA1 Hereditary Breast and Ovarian Cancer; OVARIAN CANCER, SUSCEPTIBILITY TO. Identifiers: Orphanet 145, MedGen C2676676, MONDO:0011450, OMIM 604370. Disease mechanism: loss of function.
Fanconi anemia, complementation group S (FANCS). Identifiers: MedGen C4554406, MONDO:0054748, OMIM 617883.
Familial cancer of breast. Also called: hereditary breast carcinoma; Hereditary breast cancer; BREAST CANCER, FAMILIAL. Identifiers: Orphanet 227535, MedGen C0346153, MONDO:0016419, OMIM 114480. Disease mechanism: loss of function.
Hereditary cancer-predisposing syndrome. Also called: Hereditary neoplastic syndrome; Tumor predisposition; Neoplastic Syndromes, Hereditary; Hereditary Cancer Syndrome. Identifiers: Orphanet 140162, MedGen C0027672, MeSH D009386, MONDO:0015356.
Hereditary breast ovarian cancer syndrome. Also called: Breast and ovarian cancer; Hereditary breast and/or ovarian cancer syndrome; BRCA1- and BRCA2-Associated Hereditary Breast and Ovarian Cancer; Hereditary breast and ovarian cancer; Hereditary breast and ovarian cancer syndrome; Hereditary breast and ovarian cancer syndrome (HBOC). Identifiers: Orphanet 145, MedGen C0677776, MeSH D061325, MONDO:0003582. Disease mechanism: loss of function.

Allele frequency attached by ClinVar (database versions not stated): gnomAD 0.00002 and 0.00004; gnomAD exomes 0.00002 and 0.00012; TOPMed 0.00003; ExAC 0.00007; ESP Exome Variant Server 0.00008.

Submissions (12):

Evidence-based Network for the Interpretation of Germline Mutant Alleles (ENIGMA)
Classification: Likely benign for Breast-ovarian cancer, familial, susceptibility to, 1. Last evaluated: 2017-06-29. Review status: reviewed by expert panel. Criteria: ENIGMA BRCA1/2 Classification Criteria (2017-06-29). Collection method: curation. Allele origin: germline.
Comment: Synonymous substitution variant, with low bioinformatic likelihood to result in a splicing aberration (Splicing prior probability 0.02).

CeGaT Center for Human Genetics Tuebingen
Classification: Likely benign. Last evaluated: 2026-09-01. Review status: criteria provided, single submitter. Criteria: CeGaT Center For Human Genetics Tuebingen Variant Classification Criteria Version 2. Collection method: clinical testing. Allele origin: germline. Affected: yes. Observed: 2 variant alleles. Not counted in ClinVar's aggregate classification.
Comment: BRCA1: BP4, BP7

Women's Health and Genetics/Laboratory Corporation of America, LabCorp
Classification: Likely benign. Last evaluated: 2026-04-01. Review status: criteria provided, single submitter. Criteria: LabCorp Variant Classification Summary - May 2015. Collection method: clinical testing. Allele origin: germline. Not counted in ClinVar's aggregate classification.
Comment: Variant summary: BRCA1 c.3699A>G alters a non-conserved nucleotide resulting in a synonymous change. Several computational tools predict a significant impact on normal splicing: Two predict the variant creates a cryptic 5' donor site and two predict the variant strengthens a cryptic 5 donor site. However, this variant is almost 400 nucleotides away from the nearest canonical splice donor site and these predictions have yet to be confirmed by functional studies. The variant allele was found at a frequency of 0.00012 in 251278 control chromosomes, predominantly at a frequency of 0.00087 within the Latino subpopulation in the gnomAD database. This frequency is not significantly higher than estimated for disease-causing variants in BRCA1, allowing no conclusion about variant significance. c.3699A>G has been observed in individuals undergoing genetic testing for Hereditary Breast And Ovarian Cancer Syndrome, without strong evidence of causality (example: Judkins_2005, Bowles_2014, Momozawa_2018). These reports do not provide unequivocal conclusions about association of the variant with Hereditary Breast And Ovarian Cancer Syndrome. To our knowledge, no experimental evidence demonstrating an impact on protein function has been reported. The following publications have been ascertained in the context of this evaluation (PMID: 16267036, 36451132, 30287823). ClinVar contains an entry for this variant (Variation ID: 183855). Based on the evidence outlined above, the variant was classified as likely benign.

Labcorp Genetics (formerly Invitae), Labcorp
Classification: Benign for Hereditary breast ovarian cancer syndrome. Last evaluated: 2026-01-20. Review status: criteria provided, single submitter. Criteria: Invitae Variant Classification Sherloc (09022015). Collection method: clinical testing. Allele origin: germline. Not counted in ClinVar's aggregate classification.

ARUP Laboratories, Molecular Genetics and Genomics, ARUP Laboratories
Classification: Likely benign. Last evaluated: 2024-09-17. Review status: criteria provided, single submitter. Criteria: ARUP Molecular Germline Variant Investigation Process 2024. Collection method: clinical testing. Allele origin: germline. Not counted in ClinVar's aggregate classification.

All of Us Research Program, National Institutes of Health
Classification: Likely benign for Breast-ovarian cancer, familial, susceptibility to, 1. Last evaluated: 2023-11-30. Review status: criteria provided, single submitter. Criteria: ACMG Guidelines, 2015. Collection method: clinical testing. Allele origin: germline. Inheritance: Autosomal dominant inheritance. Observed: 8 variant alleles, 8 heterozygotes. Not counted in ClinVar's aggregate classification.
Comment: This study involves interpretation of variants in research participants for the purpose of population health screening. Participant phenotype was not available at the time of variant classification. Additional details can be found in publication PMID: 35346344, PMCID: PMC8962531

Quest Diagnostics Nichols Institute San Juan Capistrano
Classification: Benign. Last evaluated: 2023-08-28. Review status: criteria provided, single submitter. Criteria: Quest Diagnostics criteria. Collection method: clinical testing. Allele origin: unknown. Not counted in ClinVar's aggregate classification.

Department of Pathology and Laboratory Medicine, Sinai Health System
Classification: Likely benign for Familial cancer of breast; Breast-ovarian cancer, familial, susceptibility to, 1; Fanconi anemia, complementation group S. Last evaluated: 2022-05-12. Review status: criteria provided, single submitter. Criteria: ACMG Guidelines, 2015. Collection method: clinical testing. Allele origin: germline. Affected: yes. Not counted in ClinVar's aggregate classification.

GeneDx
Classification: Likely benign. Last evaluated: 2019-11-22. Review status: criteria provided, single submitter. Criteria: GeneDx Variant Classification Process June 2021. Collection method: clinical testing. Allele origin: germline. Affected: yes. Not counted in ClinVar's aggregate classification.
Comment: This variant is associated with the following publications: (PMID: 16267036)

Color Diagnostics, LLC DBA Color Health
Classification: Likely benign for Hereditary cancer-predisposing syndrome. Last evaluated: 2017-12-04. Review status: criteria provided, single submitter. Criteria: ACMG Guidelines, 2015. Collection method: clinical testing. Allele origin: germline. Not counted in ClinVar's aggregate classification.

Ambry Genetics
Classification: Likely benign for Hereditary cancer-predisposing syndrome. Last evaluated: 2014-09-30. Review status: criteria provided, single submitter. Criteria: Ambry Variant Classification Scheme 2023. Collection method: clinical testing. Allele origin: germline. Not counted in ClinVar's aggregate classification.

PreventionGenetics, part of Exact Sciences
Classification: Likely benign for BRCA1-related condition. Last evaluated: 2020-11-10. Review status: no assertion criteria provided. Collection method: clinical testing. Allele origin: germline. Not counted in ClinVar's aggregate classification.
Comment: This variant is classified as likely benign based on ACMG/AMP sequence variant interpretation guidelines (Richards et al. 2015 PMID: 25741868, with internal and published modifications).

Literature cited by the submitters: PubMed 16267036 (cited by 4 submitters); PubMed 30287823 (cited by Women's Health and Genetics/Laboratory Corporation of America, LabCorp and Quest Diagnostics Nichols Institute San Juan Capistrano); PubMed 36451132 (cited by Women's Health and Genetics/Laboratory Corporation of America, LabCorp and Quest Diagnostics Nichols Institute San Juan Capistrano).